The following is an entry in ClinVar:

NM_001267550.2(TTN):c.85547del (p.Leu28516fs)

Genes: TTN (titin; minus strand), TTN-AS1 (TTN antisense RNA 1; plus strand). Cytogenetic location: 2q31.2.
Variant type: Deletion.
Coding change: c.85547del on transcript NM_001267550.2 (MANE Select); coding-DNA position 85547, one base deleted (T; older notation c.85547delT).
Protein change: p.Leu28516fs; shifts the reading frame from leucine 28516.
Molecular consequence: frameshift variant.
Genome position (GRCh38, 1-based): chr2:178,560,585, A deleted on the plus strand (T on the coding strand, the reverse complement: TTN is on the minus strand). VCF-style (leftmost placement, unchanged base first): chr2-178560584-GA-G. GRCh37 (hg19) VCF-style: chr2-179425311-GA-G.
Other names: c.80624del, p.Leu26875fs (NM_001256850.1); c.58352del, p.Leu19451fs (NM_003319.4); c.77843del, p.Leu25948fs (NM_133378.4); c.58727del, p.Leu19576fs (NM_133432.3); c.58928del, p.Leu19643fs (NM_133437.4); short protein forms L19451fs, L19576fs, L19643fs, L25948fs, L26875fs, L28516fs.
Identifiers: ClinVar variation 3771947 (VCV003771947.13).

ClinVar aggregate classification (germline): Likely pathogenic (1 of 4 stars; one submission).

Submission:

CeGaT Center for Human Genetics Tuebingen
Classification: Likely pathogenic. Last evaluated: 2024-12-01. Review status: criteria provided, single submitter. Criteria: CeGaT Center For Human Genetics Tuebingen Variant Classification Criteria Version 2. Collection method: clinical testing. Allele origin: germline. Affected: yes. Observed: 1 variant allele.
Comment: TTN: PVS1:Strong, PM2